The following is an entry in ClinVar:

NM_005263.5(GFI1):c.725A>G (p.Glu242Gly)

Gene: GFI1 (growth factor independent 1 transcriptional repressor; minus strand). Cytogenetic location: 1p22.1.
Variant type: single nucleotide variant.
Coding change: c.725A>G on transcript NM_005263.5 (MANE Select); coding-DNA position 725, A replaced by G.
Protein change: p.Glu242Gly; replaces glutamic acid 242 with glycine.
Molecular consequence: missense variant.
Genome position (GRCh38, 1-based): chr1:92,480,662, T>C on the plus strand (A>G on the coding strand, the complement: GFI1 is on the minus strand). VCF-style: chr1-92480662-T-C. GRCh37 (hg19) VCF-style: chr1-92946219-T-C.
Other names: c.725A>G, p.Glu242Gly (NM_001127215.3, NM_001127216.3); short protein forms E242G.
Identifiers: ClinVar variation 3853704 (VCV003853704.1).
Genomic context (GRCh38, chr1:92,480,662, plus strand): 5'-TTGCTGCACTTGATGCACTTGTAGGAGCCGCCGCCCAGCAGCAGGCGGGTGCACAGCAGC[T>C]CCGACTCCACCTTGACGCCAGCGCCCTTGTCTGCGTGCAGCCCGTGGCCACGCTCGGGGT-3'
Protein context (NP_005254.2, residues 232-252): DKGAGVKVES[Glu242Gly]LLCTRLLLGG

ClinVar aggregate classification (germline): Uncertain significance (1 of 4 stars; one submission).

Submission:

Ambry Genetics
Classification: Uncertain significance. Last evaluated: 2025-02-01. Review status: criteria provided, single submitter. Criteria: Ambry Variant Classification Scheme 2023. Collection method: clinical testing. Allele origin: germline.
Comment: The p.E242G variant (also known as c.725A>G), located in coding exon 3 of the GFI1 gene, results from an A to G substitution at nucleotide position 725. The glutamic acid at codon 242 is replaced by glycine, an amino acid with similar properties. This amino acid position is conserved. In addition, this alteration is predicted to be tolerated by in silico analysis. Based on the available evidence, the clinical significance of this variant remains unclear.